The following is an entry in ClinVar:

ClinVar aggregate classification (germline): Conflicting classifications of pathogenicity. Review status: criteria provided, conflicting classifications (1 of 4 stars). 4 submissions from 3 submitters: Uncertain significance (2); Likely benign (2). Last evaluated 2026-03-01.

Conditions:
Microcephaly 6, primary, autosomal recessive. Identifiers: Orphanet 2512, MedGen C1842109, MONDO:0012029, OMIM 608393.
Seckel syndrome 4 (SCKL4). Identifiers: Orphanet 808, MedGen C3888212, MONDO:0013358, OMIM 613676.

Allele frequency attached by ClinVar (database versions not stated): ExAC 0.00001; gnomAD 0.00001; gnomAD exomes 0.00001; TOPMed 0.00001.
gnomAD v4.1: 36 of 1,613,706 alleles (0.0022%); highest among the groups gnomAD compares: Non-Finnish European, 0.0028%; no homozygotes.

Submissions (4):

CeGaT Center for Human Genetics Tuebingen
Classification: Likely benign. Last evaluated: 2026-03-01. Review status: criteria provided, single submitter. Criteria: CeGaT Center For Human Genetics Tuebingen Variant Classification Criteria Version 2. Collection method: clinical testing. Allele origin: germline. Affected: yes. Observed: 1 variant allele.
Comment: CPAP: BP4, BP7

Labcorp Genetics (formerly Invitae), Labcorp
Classification: Likely benign. Last evaluated: 2024-08-23. Review status: criteria provided, single submitter. Criteria: Invitae Variant Classification Sherloc (09022015). Collection method: clinical testing. Allele origin: germline.

Illumina Laboratory Services, Illumina
Classification: Uncertain significance for Microcephaly 6, primary, autosomal recessive. Last evaluated: 2018-01-13. Review status: criteria provided, single submitter. Criteria: ICSL Variant Classification Criteria 13 December 2019. Collection method: clinical testing. Allele origin: germline.

Illumina Laboratory Services, Illumina
Classification: Uncertain significance for Seckel syndrome 4. Last evaluated: 2018-01-13. Review status: criteria provided, single submitter. Criteria: ICSL Variant Classification Criteria 13 December 2019. Collection method: clinical testing. Allele origin: germline.

NM_018451.5(CPAP):c.3105C>T (p.Asn1035=)

Gene: CPAP (centrosome assembly and centriole elongation protein; minus strand). Cytogenetic location: 13q12.12.
Variant type: single nucleotide variant.
Coding change: c.3105C>T on transcript NM_018451.5 (MANE Select); coding-DNA position 3105, C replaced by T.
Protein change: p.Asn1035=; no amino-acid change (asparagine 1035 retained).
Molecular consequence: synonymous variant. On other transcripts: non-coding transcript variant (2).
Genome position (GRCh38, 1-based): chr13:24,892,754, G>A on the plus strand (C>T on the coding strand, the complement: CPAP is on the minus strand). VCF-style: chr13-24892754-G-A. GRCh37 (hg19) VCF-style: chr13-25466892-G-A.
Identifiers: ClinVar variation 881665 (VCV000881665.10), dbSNP rs769070143, ClinGen allele CA6919407.